The following is an entry in ClinVar:

ClinVar aggregate classification (germline): Uncertain significance (1 of 4 stars; one submission).

Allele frequency attached by ClinVar (database versions not stated): gnomAD exomes below 0.00001; ExAC 0.00001; gnomAD 0.00002; TOPMed 0.00004.
gnomAD v4.1: 4 of 1,613,798 alleles (0.00025%); highest among the groups gnomAD compares: African/African-American, 0.0053%; no homozygotes.

Submission:

Labcorp Genetics (formerly Invitae), Labcorp
Classification: Uncertain significance. Last evaluated: 2023-09-27. Review status: criteria provided, single submitter. Criteria: Invitae Variant Classification Sherloc (09022015). Collection method: clinical testing. Allele origin: germline.
Comment: This sequence change replaces leucine, which is neutral and non-polar, with methionine, which is neutral and non-polar, at codon 166 of the IHH protein (p.Leu166Met). This variant is present in population databases (rs773386517, gnomAD 0.007%). This variant has not been reported in the literature in individuals affected with IHH-related conditions. Advanced modeling of protein sequence and biophysical properties (such as structural, functional, and spatial information, amino acid conservation, physicochemical variation, residue mobility, and thermodynamic stability) performed at Invitae indicates that this missense variant is expected to disrupt IHH protein function. In summary, the available evidence is currently insufficient to determine the role of this variant in disease. Therefore, it has been classified as a Variant of Uncertain Significance.

NM_002181.4(IHH):c.496C>A (p.Leu166Met)

Gene: IHH (Indian hedgehog signaling molecule; minus strand). Cytogenetic location: 2q35.
Variant type: single nucleotide variant.
Coding change: c.496C>A on transcript NM_002181.4 (MANE Select); coding-DNA position 496, C replaced by A.
Protein change: p.Leu166Met; replaces leucine 166 with methionine.
Molecular consequence: missense variant.
Genome position (GRCh38, 1-based): chr2:219,057,514, G>T on the plus strand (C>A on the coding strand, the complement: IHH is on the minus strand). VCF-style: chr2-219057514-G-T. GRCh37 (hg19) VCF-style: chr2-219922236-G-T.
Other names: short protein forms L166M.
Identifiers: ClinVar variation 2808828 (VCV002808828.3), dbSNP rs773386517, ClinGen allele CA2116694.